The following is an entry in ClinVar:

NM_014317.5(PDSS1):c.628T>A (p.Leu210Ile)

Gene: PDSS1 (decaprenyl diphosphate synthase subunit 1; plus strand). Cytogenetic location: 10p12.1.
Variant type: single nucleotide variant.
Coding change: c.628T>A on transcript NM_014317.5 (MANE Select); coding-DNA position 628, T replaced by A.
Protein change: p.Leu210Ile; replaces leucine 210 with isoleucine.
Molecular consequence: missense variant.
Genome position (GRCh38, 1-based): chr10:26,723,824, T>A. VCF-style: chr10-26723824-T-A. GRCh37 (hg19) VCF-style: chr10-27012753-T-A.
Other names: c.628T>A, p.Leu210Ile (NM_001321978.2); c.118T>A, p.Leu40Ile (NM_001321979.2); short protein forms L210I, L40I.
Identifiers: ClinVar variation 3416690 (VCV003416690.2).

ClinVar aggregate classification (germline): Uncertain significance. Review status: criteria provided, multiple submitters, no conflicts (2 of 4 stars). 2 submissions from 2 submitters: Uncertain significance (2). Last evaluated 2025-03-07.

Conditions:
Inborn genetic diseases. Identifiers: MedGen C0950123, MeSH D030342.

gnomAD v4.1: 10 of 1,611,850 alleles (0.00062%); highest among the groups gnomAD compares: Non-Finnish European, 0.00085%; no homozygotes.

Submissions (2):

GeneDx
Classification: Uncertain significance. Last evaluated: 2025-03-07. Review status: criteria provided, single submitter. Criteria: GeneDx Variant Classification Process June 2021. Collection method: clinical testing. Allele origin: germline. Affected: yes.
Comment: Not observed at significant frequency in large population cohorts (gnomAD); In silico analysis indicates that this missense variant does not alter protein structure/function; Has not been previously published as pathogenic or benign to our knowledge

Ambry Genetics
Classification: Uncertain significance for Inborn genetic diseases. Last evaluated: 2024-09-26. Review status: criteria provided, single submitter. Criteria: Ambry Variant Classification Scheme 2023. Collection method: clinical testing. Allele origin: germline.